The following is an entry in ClinVar:

ClinVar aggregate classification (germline): Uncertain significance. Review status: criteria provided, multiple submitters, no conflicts (2 of 4 stars). 3 submissions from 3 submitters: Uncertain significance (3). Last evaluated 2023-04-11.

Conditions:
Developmental and epileptic encephalopathy, 69. Also called: EPILEPTIC ENCEPHALOPATHY, EARLY INFANTILE, 69. Identifiers: MedGen C4748988, MONDO:0032657, OMIM 618285.

Submissions (3):

Genome-Nilou Lab
Classification: Uncertain significance for Developmental and epileptic encephalopathy, 69. Last evaluated: 2023-04-11. Review status: criteria provided, single submitter. Criteria: ACMG Guidelines, 2015. Collection method: clinical testing. Allele origin: germline. Affected: no.

Labcorp Genetics (formerly Invitae), Labcorp
Classification: Uncertain significance. Last evaluated: 2021-12-22. Review status: criteria provided, single submitter. Criteria: Invitae Variant Classification Sherloc (09022015). Collection method: clinical testing. Allele origin: germline.
Comment: This sequence change replaces leucine, which is neutral and non-polar, with phenylalanine, which is neutral and non-polar, at codon 52 of the CACNA1E protein (p.Leu52Phe). This variant is not present in population databases (gnomAD no frequency). This variant has not been reported in the literature in individuals affected with CACNA1E-related conditions. Algorithms developed to predict the effect of missense changes on protein structure and function are either unavailable or do not agree on the potential impact of this missense change (SIFT: "Deleterious"; PolyPhen-2: "Possibly Damaging"; Align-GVGD: "Class C0"). In summary, the available evidence is currently insufficient to determine the role of this variant in disease. Therefore, it has been classified as a Variant of Uncertain Significance.

AiLife Diagnostics
Classification: Uncertain significance. Last evaluated: 2021-06-16. Review status: criteria provided, single submitter. Criteria: ACMG Guidelines, 2015. Collection method: clinical testing. Allele origin: germline. Affected: yes. Observed: 1 variant allele.

NM_001205293.3(CACNA1E):c.156G>C (p.Leu52Phe)

Gene: CACNA1E (calcium voltage-gated channel subunit alpha1 E; plus strand). Cytogenetic location: 1q25.3.
Variant type: single nucleotide variant.
Coding change: c.156G>C on transcript NM_001205293.3 (MANE Select); coding-DNA position 156, G replaced by C.
Protein change: p.Leu52Phe; replaces leucine 52 with phenylalanine.
Molecular consequence: missense variant.
Genome position (GRCh38, 1-based): chr1:181,483,900, G>C. VCF-style: chr1-181483900-G-C. GRCh37 (hg19) VCF-style: chr1-181453036-G-C.
Other names: c.156G>C, p.Leu52Phe (NM_000721.4, NM_001205294.2); short protein forms L52F.
Identifiers: ClinVar variation 1678453 (VCV001678453.7), dbSNP rs766926616, ClinGen allele CA343844462.